The following is an entry in ClinVar:

ClinVar aggregate classification (germline): Uncertain significance (1 of 4 stars; one submission).

gnomAD v4.1: 1 of 1,614,056 alleles (0.000062%); highest among the groups gnomAD compares: South Asian, 0.0011%; no homozygotes.

Submission:

Ambry Genetics
Classification: Uncertain significance. Last evaluated: 2021-12-10. Review status: criteria provided, single submitter. Criteria: Ambry Variant Classification Scheme 2023. Collection method: clinical testing. Allele origin: germline.
Comment: The p.G354V variant (also known as c.1061G>T), located in coding exon 5 of the MNDA gene, results from a G to T substitution at nucleotide position 1061. The glycine at codon 354 is replaced by valine, an amino acid with dissimilar properties. This amino acid position is conserved. In addition, this alteration is predicted to be tolerated by in silico analysis. Since supporting evidence is limited at this time, the clinical significance of this alteration remains unclear.

NM_002432.3(MNDA):c.1061G>T (p.Gly354Val)

Gene: MNDA (myeloid cell nuclear differentiation antigen; plus strand). Cytogenetic location: 1q23.1.
Variant type: single nucleotide variant.
Coding change: c.1061G>T on transcript NM_002432.3 (MANE Select); coding-DNA position 1061, G replaced by T.
Protein change: p.Gly354Val; replaces glycine 354 with valine.
Molecular consequence: missense variant.
Genome position (GRCh38, 1-based): chr1:158,847,801, G>T. VCF-style: chr1-158847801-G-T. GRCh37 (hg19) VCF-style: chr1-158817591-G-T.
Other names: short protein forms G354V.
Identifiers: ClinVar variation 1780448 (VCV001780448.2), dbSNP rs149242106, ClinGen allele CA343044137.